The following is an entry in ClinVar:

NM_138694.4(PKHD1):c.2135dup (p.Thr713fs)

Gene: PKHD1 (PKHD1 ciliary IPT domain containing fibrocystin/polyductin; minus strand). Cytogenetic location: 6p12.2.
Variant type: Duplication.
Coding change: c.2135dup on transcript NM_138694.4 (MANE Select); coding-DNA position 2135, one base duplicated (T; older notation c.2135dupT).
Protein change: p.Thr713fs; shifts the reading frame from threonine 713.
Molecular consequence: frameshift variant.
Genome position (GRCh38, 1-based): chr6:52,053,081, A duplicated on the plus strand (T on the coding strand, the reverse complement: PKHD1 is on the minus strand). VCF-style (leftmost placement, unchanged base first): chr6-52053080-T-TA. GRCh37 (hg19) VCF-style: chr6-51917878-T-TA.
Other names: c.2135dup, p.Thr713fs (NM_170724.3); short protein forms T713fs.
Identifiers: ClinVar variation 2780561 (VCV002780561.4), dbSNP rs2533263037, ClinGen allele CA2739273079.

ClinVar aggregate classification (germline): Pathogenic (1 of 4 stars; one submission).

Conditions:
Autosomal recessive polycystic kidney disease (ARPKD). Also called: AR polycystic kidney disease. Identifiers: Orphanet 731, Orphanet 8378, MedGen C0085548, MeSH D017044, MONDO:0009889.

Submission:

Labcorp Genetics (formerly Invitae), Labcorp
Classification: Pathogenic for Autosomal recessive polycystic kidney disease. Last evaluated: 2023-10-19. Review status: criteria provided, single submitter. Criteria: Invitae Variant Classification Sherloc (09022015). Collection method: clinical testing. Allele origin: germline.
Comment: This sequence change creates a premature translational stop signal (p.Thr713Asnfs*6) in the PKHD1 gene. It is expected to result in an absent or disrupted protein product. Loss-of-function variants in PKHD1 are known to be pathogenic (PMID: 19940839). This variant is not present in population databases (gnomAD no frequency). This variant has not been reported in the literature in individuals affected with PKHD1-related conditions. For these reasons, this variant has been classified as Pathogenic.

Literature cited by the submitters: PubMed 19940839.